The following is an entry in ClinVar:

ClinVar aggregate classification (germline): Uncertain significance (1 of 4 stars; one submission).

Allele frequency attached by ClinVar (database versions not stated): gnomAD 0.00001; TOPMed 0.00002.
gnomAD v4.1: 3 of 1,613,896 alleles (0.00019%); highest among the groups gnomAD compares: African/African-American, 0.004%; no homozygotes.

Submission:

GeneDx
Classification: Uncertain significance. Last evaluated: 2023-12-07. Review status: criteria provided, single submitter. Criteria: GeneDx Variant Classification Process June 2021. Collection method: clinical testing. Allele origin: germline. Affected: yes.
Comment: Not observed at significant frequency in large population cohorts (gnomAD); In silico analysis supports that this missense variant has a deleterious effect on protein structure/function; Has not been previously published as pathogenic or benign to our knowledge

NM_001080517.3(SETD5):c.1246A>T (p.Arg416Trp)

Gene: SETD5 (SET domain containing 5; plus strand). Cytogenetic location: 3p25.3.
Variant type: single nucleotide variant.
Coding change: c.1246A>T on transcript NM_001080517.3 (MANE Select); coding-DNA position 1246, A replaced by T.
Protein change: p.Arg416Trp; replaces arginine 416 with tryptophan.
Molecular consequence: missense variant.
Genome position (GRCh38, 1-based): chr3:9,445,106, A>T. VCF-style: chr3-9445106-A-T. GRCh37 (hg19) VCF-style: chr3-9486790-A-T.
Other names: c.952A>T, p.Arg318Trp (NM_001292043.2, NM_001349451.2); short protein forms R318W, R416W.
Identifiers: ClinVar variation 2574184 (VCV002574184.2), dbSNP rs921939402, ClinGen allele CA69961329.